The following is an entry in ClinVar:

NC_000014.8:g.(?_67291172)_(67291304_?)dup

Gene: GPHN (gephyrin; plus strand). Cytogenetic location: 14q23.3.
Variant type: Duplication.
Identifiers: ClinVar variation 2426610 (VCV002426610.4).

ClinVar aggregate classification (germline): Uncertain significance (1 of 4 stars; one submission).

Conditions:
Sulfite oxidase deficiency due to molybdenum cofactor deficiency type C. Also called: Molybdenum cofactor deficiency, complementation group C; Molybdenum cofactor deficiency C. Identifiers: Orphanet 308400, Orphanet 833, MedGen C1854990, MONDO:0014212, OMIM 615501.

Submission:

Labcorp Genetics (formerly Invitae), Labcorp
Classification: Uncertain significance for Sulfite oxidase deficiency due to molybdenum cofactor deficiency type C. Last evaluated: 2022-04-12. Review status: criteria provided, single submitter. Criteria: Invitae Variant Classification Sherloc (09022015). Collection method: clinical testing. Allele origin: germline.
Comment: This variant results in a copy number gain of the genomic region encompassing exon(s) 4 of the GPHN gene. While the exact position of this variant cannot be determined from the data, sub-genic copy number gains are generally in tandem (PMID: 25640679). This variant is predicted to be in-frame, and likely preserves the integrity of the reading frame. This variant has not been reported in the literature in individuals affected with GPHN-related conditions. In summary, the available evidence is currently insufficient to determine the role of this variant in disease. Therefore, it has been classified as a Variant of Uncertain Significance.

Literature cited by the submitters: PubMed 25640679.